The following is an entry in ClinVar:

NM_006060.6(IKZF1):c.485G>C (p.Arg162Pro)

Gene: IKZF1 (IKAROS family zinc finger 1; plus strand). Cytogenetic location: 7p12.2.
Variant type: single nucleotide variant.
Coding change: c.485G>C on transcript NM_006060.6 (MANE Select); coding-DNA position 485, G replaced by C.
Protein change: p.Arg162Pro; replaces arginine 162 with proline.
Molecular consequence: missense variant. On other transcripts: intron variant (6).
Genome position (GRCh38, 1-based): chr7:50,382,603, G>C. VCF-style: chr7-50382603-G-C. GRCh37 (hg19) VCF-style: chr7-50450301-G-C.
Other names: c.485G>C, p.Arg162Pro (NM_001220765.3, NM_001220768.2, NM_001291837.2); c.224G>C, p.Arg75Pro (NM_001220767.2, NM_001220770.2, NM_001291838.2 and 1 more transcripts); c.545G>C, p.Arg182Pro (NM_001410879.1); c.421+5810G>C (NM_001220771.2); c.161-4742G>C (NM_001291841.1, NM_001291842.1); c.161-9126G>C (NM_001291843.1, NM_001291844.1); c.161-17315G>C (NM_001291840.1); short protein forms R162P, R75P, R182P.
Identifiers: ClinVar variation 2910208 (VCV002910208.3), dbSNP rs770551610, ClinGen allele CA16040206.
Genomic context (GRCh38, chr7:50,382,603, plus strand): 5'-AACGGCCCTTCCAGTGCAATCAGTGCGGGGCCTCATTCACCCAGAAGGGCAACCTGCTCC[G>C]GCACATCAAGCTGCATTCCGGGGAGAAGCCCTTCAAATGCCACCTCTGCAACTACGCCTG-3'
Protein context (NP_006051.1, residues 152-172): ASFTQKGNLL[Arg162Pro]HIKLHSGEKP

ClinVar aggregate classification (germline): Uncertain significance (1 of 4 stars; one submission).

Submission:

Labcorp Genetics (formerly Invitae), Labcorp
Classification: Uncertain significance. Last evaluated: 2023-09-23. Review status: criteria provided, single submitter. Criteria: Invitae Variant Classification Sherloc (09022015). Collection method: clinical testing. Allele origin: germline.
Comment: This variant is not present in population databases (gnomAD no frequency). This sequence change replaces arginine, which is basic and polar, with proline, which is neutral and non-polar, at codon 162 of the IKZF1 protein (p.Arg162Pro). This missense change has been observed in individual(s) with acute lymphoblastic leukemia (PMID: 29681510). In summary, the available evidence is currently insufficient to determine the role of this variant in disease. Therefore, it has been classified as a Variant of Uncertain Significance. Experimental studies are conflicting or provide insufficient evidence to determine the effect of this variant on IKZF1 function (PMID: 29681510). Algorithms developed to predict the effect of variants on protein structure and function are not available or were not evaluated for this variant.

Literature cited by the submitters: PubMed 29681510.